The following is an entry in ClinVar:

ClinVar aggregate classification (germline): Benign/Likely benign. Review status: criteria provided, multiple submitters, no conflicts (2 of 4 stars). 4 submissions from 4 submitters: Benign (2); Likely benign (1). 1 of the submissions does not count toward it. Last evaluated 2021-05-18.

Conditions:
Maturity-onset diabetes of the young type 3. Also called: MODY type 3; MODY, type III. Identifiers: Orphanet 552, MedGen C1838100, MeSH C563933, MONDO:0010894, OMIM 600496. Disease mechanism: loss of function.

Submissions (4):

Genome-Nilou Lab
Classification: Benign for Maturity-onset diabetes of the young type 3. Last evaluated: 2021-05-18. Review status: criteria provided, single submitter. Criteria: ACMG Guidelines, 2015. Collection method: clinical testing. Allele origin: germline. Affected: no.

Blueprint Genetics
Classification: Likely benign. Last evaluated: 2019-09-20. Review status: criteria provided, single submitter. Criteria: ACMG Guidelines, 2015. Collection method: clinical testing. Allele origin: germline.

GeneDx
Classification: Benign. Last evaluated: 2018-06-14. Review status: criteria provided, single submitter. Criteria: GeneDx Variant Classification (06012015). Collection method: clinical testing. Allele origin: germline. Affected: yes.
Comment: This variant is considered likely benign or benign based on one or more of the following criteria: it is a conservative change, it occurs at a poorly conserved position in the protein, it is predicted to be benign by multiple in silico algorithms, and/or has population frequency not consistent with disease.

ITMI
No classification provided. Condition: AllHighlyPenetrant. Last evaluated: 2013-09-19. Review status: no classification provided. Collection method: reference population. Allele origin: germline. Not counted in ClinVar's aggregate classification.
Comment: Please see associated publication for description of ethnicities

Literature cited by the submitters: PubMed 24728327 (cited by ITMI).

NM_000545.8(HNF1A):c.1309+86TCAT[6]

Gene: HNF1A (HNF1 homeobox A; plus strand). Cytogenetic location: 12q24.31.
Variant type: Microsatellite.
Coding change: c.1309+86TCAT[6] on transcript NM_000545.8 (MANE Select); six copies in a row of the 4-base unit TCAT starting at c.1309+86; the reference has four copies in a row; two copies, 8 bases duplicated.
Molecular consequence: intron variant.
Genome position (GRCh38, 1-based): chr12:120,996,836-120,996,843, TCATTCAT duplicated; duplicating any 8 consecutive bases within chr12:120,996,828-120,996,843 gives the same sequence; the position shown is the placement nearest the transcript's 3' end. VCF-style (leftmost placement, unchanged base first): chr12-120996827-C-CTCATTCAT. GRCh37 (hg19) VCF-style: chr12-121434630-C-CTCATTCAT.
Other names: c.1309+94_1309+101dupTCATTCAT (NM_000545.8); c.1309+86TCAT[6] (NM_001306179.2).
Identifiers: ClinVar variation 133355 (VCV000133355.5), dbSNP rs58371019, ClinGen allele CA156445.